The following is an entry in ClinVar:

NM_014053.4(FLVCR1):c.836A>G (p.Tyr279Cys)

Gene: FLVCR1 (FLVCR choline and heme transporter 1; plus strand). Cytogenetic location: 1q32.3.
Variant type: single nucleotide variant.
Coding change: c.836A>G on transcript NM_014053.4 (MANE Select); coding-DNA position 836, A replaced by G.
Protein change: p.Tyr279Cys; replaces tyrosine 279 with cysteine.
Molecular consequence: missense variant.
Genome position (GRCh38, 1-based): chr1:212,863,822, A>G. VCF-style: chr1-212863822-A-G. GRCh37 (hg19) VCF-style: chr1-213037164-A-G.
Other names: c.836A>G (NM_014053.3); short protein forms Y279C.
Identifiers: ClinVar variation 1907537 (VCV001907537.5), dbSNP rs779345090, ClinGen allele CA1385973.
Genomic context (GRCh38, chr1:212,863,822, plus strand): 5'-TAGTACCCAACACACAGAATGACACAAATCTCCTGGCTTGTAATATCAGCACCATGTTTT[A>G]TGGAACATCAGCTGTTGCCACACTTTTATTTATTTTAACAGCAATTGGTAAGTGAATTAC-3'
Protein context (NP_054772.1, residues 269-289): LLACNISTMF[Tyr279Cys]GTSAVATLLF

ClinVar aggregate classification (germline): Uncertain significance. Review status: criteria provided, multiple submitters, no conflicts (2 of 4 stars). 3 submissions from 3 submitters: Uncertain significance (3). Last evaluated 2025-08-11.

Conditions:
Inborn genetic diseases. Identifiers: MedGen C0950123, MeSH D030342.

Allele frequency attached by ClinVar (database versions not stated): gnomAD 0.00001; TOPMed 0.00001; ExAC 0.00002; gnomAD exomes 0.00002.

Submissions (3):

Ambry Genetics
Classification: Uncertain significance for Inborn genetic diseases. Last evaluated: 2025-08-11. Review status: criteria provided, single submitter. Criteria: Ambry Variant Classification Scheme 2023. Collection method: clinical testing. Allele origin: germline.

Blueprint Genetics
Classification: Uncertain significance. Last evaluated: 2024-04-22. Review status: criteria provided, single submitter. Criteria: ACMG Guidelines, 2015. Collection method: clinical testing. Allele origin: germline.

Labcorp Genetics (formerly Invitae), Labcorp
Classification: Uncertain significance. Last evaluated: 2022-08-01. Review status: criteria provided, single submitter. Criteria: Invitae Variant Classification Sherloc (09022015). Collection method: clinical testing. Allele origin: germline.
Comment: This sequence change replaces tyrosine, which is neutral and polar, with cysteine, which is neutral and slightly polar, at codon 279 of the FLVCR1 protein (p.Tyr279Cys). In summary, the available evidence is currently insufficient to determine the role of this variant in disease. Therefore, it has been classified as a Variant of Uncertain Significance. Algorithms developed to predict the effect of missense changes on protein structure and function (SIFT, PolyPhen-2, Align-GVGD) all suggest that this variant is likely to be disruptive. This variant has not been reported in the literature in individuals affected with FLVCR1-related conditions. This variant is present in population databases (rs779345090, gnomAD 0.02%).